The following is an entry in ClinVar:

ClinVar aggregate classification (germline): Likely pathogenic (1 of 4 stars; one submission).

Conditions:
Developmental delay, impaired speech, and behavioral abnormalities. Identifiers: MedGen C5561957, MONDO:0859178, OMIM 619475.

Submission:

Greenwood Genetic Center Diagnostic Laboratories, Greenwood Genetic Center
Classification: Likely pathogenic for Developmental delay, impaired speech, and behavioral abnormalities. Last evaluated: 2024-05-01. Review status: criteria provided, single submitter. Criteria: ACMG Guidelines, 2015. Collection method: clinical testing. Allele origin: germline. Affected: yes.
Comment: PVS1, PM2

NM_003128.3(SPTBN1):c.4582C>T (p.Gln1528Ter)

Gene: SPTBN1 (spectrin beta, non-erythrocytic 1; plus strand). Cytogenetic location: 2p16.2.
Variant type: single nucleotide variant.
Coding change: c.4582C>T on transcript NM_003128.3 (MANE Select); coding-DNA position 4582, C replaced by T.
Protein change: p.Gln1528Ter; replaces glutamine 1528 with a stop codon.
Molecular consequence: nonsense.
Genome position (GRCh38, 1-based): chr2:54,646,015, C>T. VCF-style: chr2-54646015-C-T. GRCh37 (hg19) VCF-style: chr2-54873152-C-T.
Other names: c.4543C>T, p.Gln1515Ter (NM_178313.3); short protein forms Q1515*, Q1528*.
Identifiers: ClinVar variation 3338612 (VCV003338612.1).
Genomic context (GRCh38, chr2:54,646,015, plus strand): 5'-GCAACTTCCACGGATCATGGCCACAACCTCCAGACTGTGCAGCTGTTAATAAAGAAAAAT[C>T]AGGTAAGCCTTTCTGCTCGAGCTAGTTCTGTCTGATAAATAATTGCTCTAAATTATGAGA-3'